The following is an entry in ClinVar:

ClinVar aggregate classification (germline): Uncertain significance (1 of 4 stars; one submission).

Submission:

Labcorp Genetics (formerly Invitae), Labcorp
Classification: Uncertain significance. Last evaluated: 2023-10-29. Review status: criteria provided, single submitter. Criteria: Invitae Variant Classification Sherloc (09022015). Collection method: clinical testing. Allele origin: germline.
Comment: This sequence change replaces glycine, which is neutral and non-polar, with alanine, which is neutral and non-polar, at codon 1138 of the DCHS1 protein (p.Gly1138Ala). This variant is not present in population databases (gnomAD no frequency). This variant has not been reported in the literature in individuals affected with DCHS1-related conditions. Advanced modeling of protein sequence and biophysical properties (such as structural, functional, and spatial information, amino acid conservation, physicochemical variation, residue mobility, and thermodynamic stability) performed at Invitae indicates that this missense variant is not expected to disrupt DCHS1 protein function with a negative predictive value of 95%. In summary, the available evidence is currently insufficient to determine the role of this variant in disease. Therefore, it has been classified as a Variant of Uncertain Significance.

NM_003737.4(DCHS1):c.3413G>C (p.Gly1138Ala)

Gene: DCHS1 (dachsous cadherin-related 1; minus strand). Cytogenetic location: 11p15.4.
Variant type: single nucleotide variant.
Coding change: c.3413G>C on transcript NM_003737.4 (MANE Select); coding-DNA position 3413, G replaced by C.
Protein change: p.Gly1138Ala; replaces glycine 1138 with alanine.
Molecular consequence: missense variant.
Genome position (GRCh38, 1-based): chr11:6,632,099, C>G on the plus strand (G>C on the coding strand, the complement: DCHS1 is on the minus strand). VCF-style: chr11-6632099-C-G. GRCh37 (hg19) VCF-style: chr11-6653330-C-G.
Other names: short protein forms G1138A.
Identifiers: ClinVar variation 2772766 (VCV002772766.3), dbSNP rs2493828401, ClinGen allele CA379413499.
Genomic context (GRCh38, chr11:6,632,099, plus strand): 5'-GGGTGGATGCGGAAGGCCTTGCTGTCTTCAGACAGCTGTTGCAGGCTGTAGGTCAGACGT[C>G]CATTGGGTCCTGAGTCTCGGTCAGTGGCAAAGACTCGGCCCACGCTGGTCCCTGGGGGCT-3'
Protein context (NP_003728.1, residues 1128-1148): FATDRDSGPN[Gly1138Ala]RLTYSLQQLS